The following is an entry in ClinVar:

NM_001105206.3(LAMA4):c.5241G>A (p.Val1747=)

Gene: LAMA4 (laminin subunit alpha 4; minus strand). Cytogenetic location: 6q21.
Variant type: single nucleotide variant.
Coding change: c.5241G>A on transcript NM_001105206.3 (MANE Select); coding-DNA position 5241, G replaced by A.
Protein change: p.Val1747=; no amino-acid change (valine 1747 retained).
Molecular consequence: synonymous variant.
Genome position (GRCh38, 1-based): chr6:112,114,161, C>T on the plus strand (G>A on the coding strand, the complement: LAMA4 is on the minus strand). VCF-style: chr6-112114161-C-T. GRCh37 (hg19) VCF-style: chr6-112435364-C-T.
Other names: c.5220G>A, p.Val1740= (NM_001105207.3, NM_002290.5).
Identifiers: ClinVar variation 504530 (VCV000504530.10), dbSNP rs375447272, ClinGen allele CA3964762.

ClinVar aggregate classification (germline): Likely benign. Review status: criteria provided, multiple submitters, no conflicts (2 of 4 stars). 3 submissions from 3 submitters: Likely benign (3). Last evaluated 2024-04-01.

Conditions:
Dilated cardiomyopathy 1JJ (CMD1JJ). Identifiers: Orphanet 154, MedGen C3808935, MONDO:0014095, OMIM 615235.
Cardiovascular phenotype. Identifiers: MedGen CN230736.

Allele frequency attached by ClinVar (database versions not stated): TOPMed below 0.00001; gnomAD 0.00001; gnomAD exomes 0.00001; ExAC 0.00002; ESP Exome Variant Server 0.00008.
gnomAD v4.1: 21 of 1,613,648 alleles (0.0013%); highest among the groups gnomAD compares: Non-Finnish European, 0.0015%; no homozygotes.

Submissions (3):

Labcorp Genetics (formerly Invitae), Labcorp
Classification: Likely benign for Dilated cardiomyopathy 1JJ. Last evaluated: 2024-04-01. Review status: criteria provided, single submitter. Criteria: Invitae Variant Classification Sherloc (09022015). Collection method: clinical testing. Allele origin: germline.

Ambry Genetics
Classification: Likely benign for Cardiovascular phenotype. Last evaluated: 2021-12-01. Review status: criteria provided, single submitter. Criteria: Ambry Variant Classification Scheme 2023. Collection method: clinical testing. Allele origin: germline.

Laboratory for Molecular Medicine, Mass General Brigham Personalized Medicine
Classification: Likely benign. Last evaluated: 2017-01-03. Review status: criteria provided, single submitter. Criteria: LMM Criteria. Collection method: clinical testing. Allele origin: germline. Observed: 1 variant allele.
Comment: p.Val1740Val in exon 38 of LAMA4: This variant is not expected to have clinical significance because it does not alter an amino acid residue and is not located within the splice consensus sequence. It has been identified in 2/66658 European chromosomes by the Exome Aggregation Consortium (ExAC; dbSNP rs375447272).